The following is an entry in ClinVar:

NM_018117.12(WDR11):c.1138G>A (p.Val380Ile)

Gene: WDR11 (WD repeat domain 11; plus strand). Cytogenetic location: 10q26.12.
Variant type: single nucleotide variant.
Coding change: c.1138G>A on transcript NM_018117.12 (MANE Select); coding-DNA position 1138, G replaced by A.
Protein change: p.Val380Ile; replaces valine 380 with isoleucine.
Molecular consequence: missense variant.
Genome position (GRCh38, 1-based): chr10:120,866,712, G>A. VCF-style: chr10-120866712-G-A. GRCh37 (hg19) VCF-style: chr10-122626224-G-A.
Other names: c.1138G>A (NM_018117.11); short protein forms V380I.
Identifiers: ClinVar variation 2966233 (VCV002966233.26), dbSNP rs150630318, ClinGen allele CA5719633.
Genomic context (GRCh38, chr10:120,866,712, plus strand): 5'-AGTATGGTGTGCTGTCCTGTCAATGAGAATGCAGCCGCCCTCGTAGTGAGTGATGGCAGG[G>A]TCATGATATGGGAACTCAAGTCTGCAGTTTGTAATCGAAATTCACGGAACAGGTAAATGA-3'
Protein context (NP_060587.8, residues 370-390): AAALVVSDGR[Val380Ile]MIWELKSAVC

ClinVar aggregate classification (germline): Conflicting classifications of pathogenicity. Review status: criteria provided, conflicting classifications (1 of 4 stars). 3 submissions from 3 submitters: Uncertain significance (2); Likely benign (1). Last evaluated 2026-06-01.

Conditions:
Inborn genetic diseases. Identifiers: MedGen C0950123, MeSH D030342.

Allele frequency attached by ClinVar (database versions not stated): ESP Exome Variant Server 0.00023.
gnomAD v4.1: 171 of 1,614,040 alleles (0.011%); highest among the groups gnomAD compares: Non-Finnish European, 0.014%; no homozygotes.

Submissions (3):

CeGaT Center for Human Genetics Tuebingen
Classification: Likely benign. Last evaluated: 2026-06-01. Review status: criteria provided, single submitter. Criteria: CeGaT Center For Human Genetics Tuebingen Variant Classification Criteria Version 2. Collection method: clinical testing. Allele origin: germline. Affected: yes. Observed: 2 variant alleles.
Comment: WDR11: BP4

Labcorp Genetics (formerly Invitae), Labcorp
Classification: Uncertain significance. Last evaluated: 2023-12-10. Review status: criteria provided, single submitter. Criteria: Invitae Variant Classification Sherloc (09022015). Collection method: clinical testing. Allele origin: germline.
Comment: This sequence change replaces valine, which is neutral and non-polar, with isoleucine, which is neutral and non-polar, at codon 380 of the WDR11 protein (p.Val380Ile). This variant is present in population databases (rs150630318, gnomAD 0.009%). This variant has not been reported in the literature in individuals affected with WDR11-related conditions. An algorithm developed to predict the effect of missense changes on protein structure and function (PolyPhen-2) suggests that this variant is likely to be tolerated. In summary, the available evidence is currently insufficient to determine the role of this variant in disease. Therefore, it has been classified as a Variant of Uncertain Significance.

Ambry Genetics
Classification: Uncertain significance for Inborn genetic diseases. Last evaluated: 2023-11-03. Review status: criteria provided, single submitter. Criteria: Ambry Variant Classification Scheme 2023. Collection method: clinical testing. Allele origin: germline.